The following is an entry in ClinVar:

NM_032578.4(MYPN):c.2564+122G>A

Gene: MYPN (myopalladin; plus strand). Cytogenetic location: 10q21.3.
Variant type: single nucleotide variant.
Coding change: c.2564+122G>A on transcript NM_032578.4 (MANE Select); 122 bases into the intron after coding-DNA position 2564, G replaced by A.
Molecular consequence: intron variant.
Genome position (GRCh38, 1-based): chr10:68,174,778, G>A. VCF-style: chr10-68174778-G-A. GRCh37 (hg19) VCF-style: chr10-69934535-G-A.
Other names: c.2564+122G>A (NM_001256267.2); c.1682+122G>A (NM_001256268.2).
Identifiers: ClinVar variation 671145 (VCV000671145.2), dbSNP rs7917519, ClinGen allele CA13354050.

ClinVar aggregate classification (germline): Benign. Review status: criteria provided, multiple submitters, no conflicts (2 of 4 stars). 2 submissions from 2 submitters: Benign (2). Last evaluated 2018-06-14.

Allele frequency attached by ClinVar (database versions not stated): TOPMed 0.78575; gnomAD 0.79134 and 0.79411; 1000 Genomes Project 30x 0.79653; 1000 Genomes Project 0.80272; gnomAD exomes 0.81059.
gnomAD v4.1: 712,480 of 882,344 alleles (81%); highest among the groups gnomAD compares: East Asian, 89%; 288,767 homozygotes.

Submissions (2):

GeneDx
Classification: Benign. Last evaluated: 2018-06-14. Review status: criteria provided, single submitter. Criteria: GeneDx Variant Classification (06012015). Collection method: clinical testing. Allele origin: germline. Affected: yes.
Comment: This variant is considered likely benign or benign based on one or more of the following criteria: it is a conservative change, it occurs at a poorly conserved position in the protein, it is predicted to be benign by multiple in silico algorithms, and/or has population frequency not consistent with disease.

Breakthrough Genomics
Classification: Benign. Review status: criteria provided, single submitter. Criteria: ACMG Guidelines, 2015. Collection method: not provided. Allele origin: germline. Inheritance: Autosomal recessive inheritance. Affected: yes.